The following is an entry in ClinVar:

NM_001080442.3(SLC38A8):c.1204C>T (p.Pro402Ser)

Gene: SLC38A8 (solute carrier family 38 member 8; minus strand). Cytogenetic location: 16q23.3.
Variant type: single nucleotide variant.
Coding change: c.1204C>T on transcript NM_001080442.3 (MANE Select); coding-DNA position 1204, C replaced by T.
Protein change: p.Pro402Ser; replaces proline 402 with serine.
Molecular consequence: missense variant.
Genome position (GRCh38, 1-based): chr16:84,013,011, G>A on the plus strand (C>T on the coding strand, the complement: SLC38A8 is on the minus strand). VCF-style: chr16-84013011-G-A. GRCh37 (hg19) VCF-style: chr16-84046616-G-A.
Other names: c.1204C>T (NM_001080442.2); short protein forms P402S.
Identifiers: ClinVar variation 3164599 (VCV003164599.2), dbSNP rs775276596, ClinGen allele CA8199697.

ClinVar aggregate classification (germline): Uncertain significance. Review status: criteria provided, multiple submitters, no conflicts (2 of 4 stars). 2 submissions from 2 submitters: Uncertain significance (2). Last evaluated 2026-08-20.

Conditions:
SLC38A8-related disorder. Also called: SLC38A8-related condition.
Inborn genetic diseases. Identifiers: MedGen C0950123, MeSH D030342.

Allele frequency attached by ClinVar (database versions not stated): ExAC 0.00002.
gnomAD v4.1: 32 of 1,613,994 alleles (0.002%); highest among the groups gnomAD compares: South Asian, 0.0099%; no homozygotes.

Submissions (2):

PreventionGenetics, part of Exact Sciences
Classification: Uncertain significance for SLC38A8-related condition. Last evaluated: 2026-08-20. Review status: criteria provided, single submitter. Criteria: ACMG Guidelines, 2015. Collection method: clinical testing. Allele origin: germline.
Comment: The SLC38A8 c.1204C>T variant is predicted to result in the amino acid substitution p.Pro402Ser. To our knowledge, this variant has not been reported in the literature. This variant is reported in 0.020% of alleles in individuals of Ashkenazi Jewish descent in gnomAD. At this time, the clinical significance of this variant is uncertain due to the absence of conclusive functional and genetic evidence.

Ambry Genetics
Classification: Uncertain significance for Inborn genetic diseases. Last evaluated: 2024-02-22. Review status: criteria provided, single submitter. Criteria: Ambry Variant Classification Scheme 2023. Collection method: clinical testing. Allele origin: germline.